The following is an entry in ClinVar:

NM_004960.4(FUS):c.884A>G (p.Asn295Ser)

Gene: FUS (FUS RNA binding protein; plus strand). Cytogenetic location: 16p11.2.
Variant type: single nucleotide variant.
Coding change: c.884A>G on transcript NM_004960.4 (MANE Select); coding-DNA position 884, A replaced by G.
Protein change: p.Asn295Ser; replaces asparagine 295 with serine.
Molecular consequence: missense variant. On other transcripts: non-coding transcript variant (1).
Genome position (GRCh38, 1-based): chr16:31,189,174, A>G. VCF-style: chr16-31189174-A-G. GRCh37 (hg19) VCF-style: chr16-31200495-A-G.
Other names: c.881A>G, p.Asn294Ser (NM_001170634.1); c.872A>G, p.Asn291Ser (NM_001170937.1); short protein forms N291S, N294S, N295S.
Identifiers: ClinVar variation 2922331 (VCV002922331.3), dbSNP rs2544271068, ClinGen allele CA395672235.

ClinVar aggregate classification (germline): Uncertain significance (1 of 4 stars; one submission).

Conditions:
Tremor, hereditary essential, 4 (ETM4). Identifiers: MedGen C3539195, MONDO:0013888, OMIM 614782.
Amyotrophic lateral sclerosis type 6. Also called: FUS-Related Amyotrophic Laterial Sclerosis; Amyotrophic lateral sclerosis 6, with or without frontotemporal dementia; AMYOTROPHIC LATERAL SCLEROSIS 6 WITHOUT FRONTOTEMPORAL DEMENTIA. Identifiers: Orphanet 275872, Orphanet 803, MedGen C2931786, MONDO:0011951, OMIM 608030.

Allele frequency attached by ClinVar (database versions not stated): gnomAD exomes below 0.00001.
gnomAD v4.1: 1 of 1,614,046 alleles (0.000062%); highest among the groups gnomAD compares: Non-Finnish European, 0.000085%; no homozygotes.

Submission:

Labcorp Genetics (formerly Invitae), Labcorp
Classification: Uncertain significance for Tremor, hereditary essential, 4; Amyotrophic lateral sclerosis type 6. Last evaluated: 2022-10-30. Review status: criteria provided, single submitter. Criteria: Invitae Variant Classification Sherloc (09022015). Collection method: clinical testing. Allele origin: germline.
Comment: This variant is not present in population databases (gnomAD no frequency). This variant has not been reported in the literature in individuals affected with FUS-related conditions. Algorithms developed to predict the effect of missense changes on protein structure and function are either unavailable or do not agree on the potential impact of this missense change (SIFT: "Deleterious"; PolyPhen-2: "Benign"; Align-GVGD: "Class C15"). In summary, the available evidence is currently insufficient to determine the role of this variant in disease. Therefore, it has been classified as a Variant of Uncertain Significance. This sequence change replaces asparagine, which is neutral and polar, with serine, which is neutral and polar, at codon 295 of the FUS protein (p.Asn295Ser).